The following is an entry in ClinVar:

NM_206933.4(USH2A):c.8682-644C>T

Gene: USH2A (usherin; minus strand). Cytogenetic location: 1q41.
Variant type: single nucleotide variant.
Coding change: c.8682-644C>T on transcript NM_206933.4 (MANE Select); 644 bases into the intron before coding-DNA position 8682, C replaced by T.
Molecular consequence: intron variant.
Genome position (GRCh38, 1-based): chr1:215,867,814, G>A on the plus strand (C>T on the coding strand, the complement: USH2A is on the minus strand). VCF-style: chr1-215867814-G-A. GRCh37 (hg19) VCF-style: chr1-216041156-G-A.
Identifiers: ClinVar variation 4985984 (VCV004985984.1).
Genomic context (GRCh38, chr1:215,867,814, plus strand): 5'-CATAGTGTGAACATATTTACTTGAGTCAATACAGTGGAAACCGAATATTACTTTGCAGAA[G>A]GCAAAAACTGACATGCTGATGTGATATGAGGAGGACTTTCCAAGTCATTTATTAAATTGA-3'

ClinVar aggregate classification (germline): Likely benign (1 of 4 stars; one submission).

Conditions:
USH2A-related disorder. Also called: USH2A-related condition; USH2A-related disorders. Identifiers: MedGen CN239332.

gnomAD v4.1: 168 of 152,280 alleles (0.11%); highest among the groups gnomAD compares: South Asian, 0.68%; 1 homozygote.

Submission:

PreventionGenetics, part of Exact Sciences
Classification: Likely benign for USH2A-related condition. Last evaluated: 2024-10-31. Review status: criteria provided, single submitter. Criteria: ACMG Guidelines, 2015. Collection method: clinical testing. Allele origin: germline.
Comment: This variant is classified as likely benign based on ACMG/AMP sequence variant interpretation guidelines (Richards et al. 2015 PMID: 25741868, with internal and published modifications).